The following is an entry in ClinVar:

ClinVar aggregate classification (germline): Uncertain significance (1 of 4 stars; one submission).

Conditions:
H syndrome. Also called: FAISALABAD HISTIOCYTOSIS; Asrar Facharzt Haque syndrome; HISTIOCYTOSIS AND LYMPHADENOPATHY WITH OR WITHOUT CUTANEOUS, CARDIAC, AND/OR ENDOCRINE FEATURES, JOINT CONTRACTURES, AND/OR DEAFNESS; HYPERPIGMENTATION, CUTANEOUS, WITH HYPERTRICHOSIS, HEPATOSPLENOMEGALY, HEART ANOMALIES, AND HYPOGONADISM WITH OR WITHOUT HEARING LOSS; PIGMENTED HYPERTRICHOSIS WITH INSULIN-DEPENDENT DIABETES MELLITUS; ROSAI-DORFMAN DISEASE, FAMILIAL. Identifiers: Orphanet 168569, MedGen C1864445, MONDO:0011273, OMIM 602782.

Allele frequency attached by ClinVar (database versions not stated): gnomAD exomes below 0.00001; TOPMed below 0.00001; gnomAD 0.00001.
gnomAD v4.1: 7 of 1,614,018 alleles (0.00043%); highest among the groups gnomAD compares: Non-Finnish European, 0.00059%; no homozygotes.

Submission:

Labcorp Genetics (formerly Invitae), Labcorp
Classification: Uncertain significance for H syndrome. Last evaluated: 2022-04-25. Review status: criteria provided, single submitter. Criteria: Invitae Variant Classification Sherloc (09022015). Collection method: clinical testing. Allele origin: germline.
Comment: In summary, the available evidence is currently insufficient to determine the role of this variant in disease. Therefore, it has been classified as a Variant of Uncertain Significance. Algorithms developed to predict the effect of missense changes on protein structure and function are either unavailable or do not agree on the potential impact of this missense change (SIFT: "Deleterious"; PolyPhen-2: "Probably Damaging"; Align-GVGD: "Class C0"). This variant has not been reported in the literature in individuals affected with SLC29A3-related conditions. This variant is not present in population databases (gnomAD no frequency). This sequence change replaces tyrosine, which is neutral and polar, with cysteine, which is neutral and slightly polar, at codon 77 of the SLC29A3 protein (p.Tyr77Cys).

NM_018344.6(SLC29A3):c.230A>G (p.Tyr77Cys)

Gene: SLC29A3 (solute carrier family 29 member 3; plus strand). Cytogenetic location: 10q22.1.
Variant type: single nucleotide variant.
Coding change: c.230A>G on transcript NM_018344.6 (MANE Select); coding-DNA position 230, A replaced by G.
Protein change: p.Tyr77Cys; replaces tyrosine 77 with cysteine.
Molecular consequence: missense variant. On other transcripts: 5 prime UTR variant (1), non-coding transcript variant (2).
Genome position (GRCh38, 1-based): chr10:71,322,984, A>G. VCF-style: chr10-71322984-A-G. GRCh37 (hg19) VCF-style: chr10-73082741-A-G.
Other names: c.230A>G, p.Tyr77Cys (NM_001174098.2); c.-5A>G (NM_001363518.2); short protein forms Y77C.
Identifiers: ClinVar variation 2130744 (VCV002130744.4), dbSNP rs1162150681, ClinGen allele CA377129352.